The following is an entry in ClinVar:

NM_017534.6(MYH2):c.5405G>A (p.Arg1802His)

Genes: MYH2 (myosin heavy chain 2; minus strand), MYHAS (myosin heavy chain gene cluster antisense RNA; plus strand). Cytogenetic location: 17p13.1.
Variant type: single nucleotide variant.
Coding change: c.5405G>A on transcript NM_017534.6 (MANE Select); coding-DNA position 5405, G replaced by A.
Protein change: p.Arg1802His; replaces arginine 1802 with histidine.
Molecular consequence: missense variant.
Genome position (GRCh38, 1-based): chr17:10,523,563, C>T on the plus strand (G>A on the coding strand, the complement: MYH2 is on the minus strand). VCF-style: chr17-10523563-C-T. GRCh37 (hg19) VCF-style: chr17-10426880-C-T.
Other names: c.5405G>A, p.Arg1802His (NM_001100112.2); c.5405G>A (NM_017534.5); short protein forms R1802H.
Identifiers: ClinVar variation 1046548 (VCV001046548.10), dbSNP rs777282924, ClinGen allele CA8390404.
Genomic context (GRCh38, chr17:10,523,563, plus strand): 5'-TCCAGTTTCTGGATCTGCTTCTTCCCACCCTTCAGGGCCAGCTGCTCAGCCTCATCCAGA[C>T]GGAGCTGCAGATCCTTCACGGTCTGCTCCATGTTCTTCTTCATCCGCTCCAGGTGGGCGC-3'
Protein context (NP_060004.3, residues 1792-1812): MEQTVKDLQL[Arg1802His]LDEAEQLALK

ClinVar aggregate classification (germline): Uncertain significance. Review status: criteria provided, multiple submitters, no conflicts (2 of 4 stars). 3 submissions from 3 submitters: Uncertain significance (3). Last evaluated 2025-08-18.

Conditions:
Inborn genetic diseases. Identifiers: MedGen C0950123, MeSH D030342.
Myopathy, proximal, and ophthalmoplegia (CMYO6). Also called: CONGENITAL MYOPATHY 6 WITH OPHTHALMOPLEGIA; MYOPATHY WITH CONGENITAL JOINT CONTRACTURES, OPHTHALMOPLEGIA, AND RIMMED VACUOLES; INCLUSION BODY MYOPATHY 3, AUTOSOMAL DOMINANT. Identifiers: Orphanet 363677, Orphanet 79091, MedGen C1854106, MONDO:0011577, OMIM 605637.

Allele frequency attached by ClinVar (database versions not stated): ExAC 0.00002; gnomAD 0.00003; gnomAD exomes 0.00003; TOPMed 0.00003.
gnomAD v4.1: 98 of 1,614,088 alleles (0.0061%); highest among the groups gnomAD compares: Non-Finnish European, 0.0071%; no homozygotes.

Submissions (3):

Labcorp Genetics (formerly Invitae), Labcorp
Classification: Uncertain significance for Myopathy, proximal, and ophthalmoplegia. Last evaluated: 2025-08-18. Review status: criteria provided, single submitter. Criteria: Invitae Variant Classification Sherloc (09022015). Collection method: clinical testing. Allele origin: germline.
Comment: This sequence change replaces arginine, which is basic and polar, with histidine, which is basic and polar, at codon 1802 of the MYH2 protein (p.Arg1802His). This variant is present in population databases (rs777282924, gnomAD 0.01%). This variant has not been reported in the literature in individuals affected with MYH2-related conditions. ClinVar contains an entry for this variant (Variation ID: 1046548). Invitae Evidence Modeling of protein sequence and biophysical properties (such as structural, functional, and spatial information, amino acid conservation, physicochemical variation, residue mobility, and thermodynamic stability) indicates that this missense variant is expected to disrupt MYH2 protein function with a positive predictive value of 80%. In summary, the available evidence is currently insufficient to determine the role of this variant in disease. Therefore, it has been classified as a Variant of Uncertain Significance.

Ambry Genetics
Classification: Uncertain significance for Inborn genetic diseases. Last evaluated: 2023-05-24. Review status: criteria provided, single submitter. Criteria: Ambry Variant Classification Scheme 2023. Collection method: clinical testing. Allele origin: germline.

Revvity Omics, Revvity
Classification: Uncertain significance for Myopathy, proximal, and ophthalmoplegia. Last evaluated: 2019-04-25. Review status: criteria provided, single submitter. Criteria: ACMG Guidelines, 2015. Collection method: clinical testing. Allele origin: germline.